The following is an entry in ClinVar:

NM_006231.4(POLE):c.4433A>G (p.Tyr1478Cys)

Gene: POLE (DNA polymerase epsilon, catalytic subunit; minus strand). Cytogenetic location: 12q24.33.
Variant type: single nucleotide variant.
Coding change: c.4433A>G on transcript NM_006231.4 (MANE Select); coding-DNA position 4433, A replaced by G.
Protein change: p.Tyr1478Cys; replaces tyrosine 1478 with cysteine.
Molecular consequence: missense variant.
Genome position (GRCh38, 1-based): chr12:132,643,418, T>C on the plus strand (A>G on the coding strand, the complement: POLE is on the minus strand). VCF-style: chr12-132643418-T-C. GRCh37 (hg19) VCF-style: chr12-133220004-T-C.
Other names: c.4433A>G (NM_006231.2); short protein forms Y1478C.
Identifiers: ClinVar variation 540668 (VCV000540668.9), dbSNP rs1162335715, ClinGen allele CA387380942.

ClinVar aggregate classification (germline): Uncertain significance. Review status: criteria provided, multiple submitters, no conflicts (2 of 4 stars). 2 submissions from 2 submitters: Uncertain significance (2). Last evaluated 2025-11-13.

Conditions:
Hereditary cancer-predisposing syndrome. Also called: Neoplastic Syndromes, Hereditary; Hereditary Cancer Syndrome; Hereditary neoplastic syndrome; Tumor predisposition. Identifiers: Orphanet 140162, MedGen C0027672, MeSH D009386, MONDO:0015356.

Allele frequency attached by ClinVar (database versions not stated): gnomAD 0.00001; TOPMed 0.00002.
gnomAD v4.1: 2 of 1,614,070 alleles (0.00012%); highest among the groups gnomAD compares: African/African-American, 0.0013%; no homozygotes.

Submissions (2):

Labcorp Genetics (formerly Invitae), Labcorp
Classification: Uncertain significance. Last evaluated: 2025-11-13. Review status: criteria provided, single submitter. Criteria: Invitae Variant Classification Sherloc (09022015). Collection method: clinical testing. Allele origin: germline.
Comment: This sequence change replaces tyrosine, which is neutral and polar, with cysteine, which is neutral and slightly polar, at codon 1478 of the POLE protein (p.Tyr1478Cys). This variant is not present in population databases (gnomAD no frequency). This variant has not been reported in the literature in individuals affected with POLE-related conditions. ClinVar contains an entry for this variant (Variation ID: 540668). Invitae Evidence Modeling of protein sequence and biophysical properties (such as structural, functional, and spatial information, amino acid conservation, physicochemical variation, residue mobility, and thermodynamic stability) indicates that this missense variant is expected to disrupt POLE protein function with a positive predictive value of 80%. In summary, the available evidence is currently insufficient to determine the role of this variant in disease. Therefore, it has been classified as a Variant of Uncertain Significance.

Ambry Genetics
Classification: Uncertain significance for Hereditary cancer-predisposing syndrome. Last evaluated: 2025-07-21. Review status: criteria provided, single submitter. Criteria: Ambry Variant Classification Scheme 2023. Collection method: clinical testing. Allele origin: germline.
Comment: The p.Y1478C variant (also known as c.4433A>G), located in coding exon 34 of the POLE gene, results from an A to G substitution at nucleotide position 4433. The tyrosine at codon 1478 is replaced by cysteine, an amino acid with highly dissimilar properties. This amino acid position is highly conserved in available vertebrate species. In addition, the in silico prediction for this alteration is inconclusive. Based on the available evidence, the clinical significance of this variant remains unclear.